The following is an entry in ClinVar:

NM_000158.4(GBE1):c.333G>A (p.Ser111=)

Gene: GBE1 (1,4-alpha-glucan branching enzyme 1; minus strand). Cytogenetic location: 3p12.2.
Variant type: single nucleotide variant.
Coding change: c.333G>A on transcript NM_000158.4 (MANE Select); coding-DNA position 333, G replaced by A.
Protein change: p.Ser111=; no amino-acid change (serine 111 retained).
Molecular consequence: synonymous variant.
Genome position (GRCh38, 1-based): chr3:81,670,934, C>T on the plus strand (G>A on the coding strand, the complement: GBE1 is on the minus strand). VCF-style: chr3-81670934-C-T. GRCh37 (hg19) VCF-style: chr3-81720085-C-T.
Identifiers: ClinVar variation 725711 (VCV000725711.12), dbSNP rs374518318, ClinGen allele CA2500001.
Genomic context (GRCh38, chr3:81,670,934, plus strand): 5'-ATTCTGCTTTGGTGGGATATACAGCTCCCATTTTCCATAATCCAGTTTTTTGTATGGGTA[C>T]GAAAATGGATTCCAACCATCTAAAAAAATGAAGAAGATCAGTTAACAACAGCATGATAGG-3'
Protein context (NP_000149.4, residues 101-121): TGDFNGWNPF[Ser111=]YPYKKLDYGK

ClinVar aggregate classification (germline): Likely benign. Review status: criteria provided, single submitter (1 of 4 stars). 3 submissions from 3 submitters: Likely benign (1). 2 of the submissions do not count toward it. Last evaluated 2024-05-02.

Conditions:
GBE1-related disorder. Also called: GBE1-related disorders; GBE1-related condition. Identifiers: MedGen CN239402.
Glycogen storage disease, type IV (GSD4). Also called: ANDERSEN DISEASE; AMYLOPECTINOSIS; Glycogen storage disease due to glycogen branching enzyme deficiency; BRANCHER DEFICIENCY; CIRRHOSIS, FAMILIAL, WITH DEPOSITION OF ABNORMAL GLYCOGEN; GBE1 DEFICIENCY. Identifiers: Orphanet 367, MedGen C0017923, MONDO:0009292, OMIM 232500.
Glycogen storage disease IV, classic hepatic. Also called: GSD IV, CLASSIC HEPATIC. Identifiers: MedGen C1856301.

Allele frequency attached by ClinVar (database versions not stated): TOPMed 0.00007; ESP Exome Variant Server 0.00008.
gnomAD v4.1: 24 of 1,555,744 alleles (0.0015%); highest among the groups gnomAD compares: African/African-American, 0.014%; no homozygotes.

Submissions (3):

Labcorp Genetics (formerly Invitae), Labcorp
Classification: Likely benign for Glycogen storage disease, type IV; Glycogen storage disease IV, classic hepatic. Last evaluated: 2024-05-02. Review status: criteria provided, single submitter. Criteria: Invitae Variant Classification Sherloc (09022015). Collection method: clinical testing. Allele origin: germline.

PreventionGenetics, part of Exact Sciences
Classification: Likely benign for GBE1-related condition. Last evaluated: 2020-12-31. Review status: no assertion criteria provided. Collection method: clinical testing. Allele origin: germline. Not counted in ClinVar's aggregate classification.
Comment: This variant is classified as likely benign based on ACMG/AMP sequence variant interpretation guidelines (Richards et al. 2015 PMID: 25741868, with internal and published modifications).

Natera, Inc.
Classification: Uncertain significance for Glycogen storage disease type IV. Last evaluated: 2020-04-22. Review status: no assertion criteria provided. Collection method: clinical testing. Allele origin: germline. Not counted in ClinVar's aggregate classification.